The following is an entry in ClinVar:

NM_213599.3(ANO5):c.535G>A (p.Val179Met)

Gene: ANO5 (anoctamin 5; plus strand). Cytogenetic location: 11p14.3.
Variant type: single nucleotide variant.
Coding change: c.535G>A on transcript NM_213599.3 (MANE Select); coding-DNA position 535, G replaced by A.
Protein change: p.Val179Met; replaces valine 179 with methionine.
Molecular consequence: missense variant.
Genome position (GRCh38, 1-based): chr11:22,227,473, G>A. VCF-style: chr11-22227473-G-A. GRCh37 (hg19) VCF-style: chr11-22249019-G-A.
Other names: c.532G>A, p.Val178Met (NM_001142649.2); short protein forms V178M, V179M.
Identifiers: ClinVar variation 839455 (VCV000839455.10), dbSNP rs1852879938, ClinGen allele CA379919851.

ClinVar aggregate classification (germline): Uncertain significance (1 of 4 stars; one submission).

Conditions:
Autosomal recessive limb-girdle muscular dystrophy type 2L (LGMDR12). Also called: Limb-girdle muscular dystrophy, type 2L; Limb-Girdle Muscular Dystrophy R12 Anoctamin-5-Related (LGMD-R12); MUSCULAR DYSTROPHY, LIMB-GIRDLE, AUTOSOMAL RECESSIVE 12. Identifiers: Orphanet 206549, MedGen C1969785, MONDO:0012652, OMIM 611307.
Gnathodiaphyseal dysplasia (GDD). Also called: OSTEOGENESIS IMPERFECTA WITH UNUSUAL SKELETAL LESIONS; GNATHODIAPHYSEAL SCLEROSIS. Identifiers: Orphanet 53697, MedGen C1833736, MONDO:0008151, OMIM 166260.

Submission:

Labcorp Genetics (formerly Invitae), Labcorp
Classification: Uncertain significance for Autosomal recessive limb-girdle muscular dystrophy type 2L; Gnathodiaphyseal dysplasia. Last evaluated: 2025-05-05. Review status: criteria provided, single submitter. Criteria: Invitae Variant Classification Sherloc (09022015). Collection method: clinical testing. Allele origin: germline.
Comment: This sequence change replaces valine, which is neutral and non-polar, with methionine, which is neutral and non-polar, at codon 179 of the ANO5 protein (p.Val179Met). This variant is not present in population databases (gnomAD no frequency). This variant has not been reported in the literature in individuals affected with ANO5-related conditions. ClinVar contains an entry for this variant (Variation ID: 839455). Invitae Evidence Modeling of protein sequence and biophysical properties (such as structural, functional, and spatial information, amino acid conservation, physicochemical variation, residue mobility, and thermodynamic stability) has been performed for this missense variant. However, the output from this modeling did not meet the statistical confidence thresholds required to predict the impact of this variant on ANO5 protein function. In summary, the available evidence is currently insufficient to determine the role of this variant in disease. Therefore, it has been classified as a Variant of Uncertain Significance.